The following is an entry in ClinVar:

ClinVar aggregate classification (germline): Conflicting classifications of pathogenicity. Review status: criteria provided, conflicting classifications (1 of 4 stars). 5 submissions from 5 submitters: Uncertain significance (1); Likely benign (4). Last evaluated 2026-07-01.

Conditions:
Glycine encephalopathy. Also called: Nonketotic hyperglycinemia; Non-ketotic hyperglycinemia. Identifiers: Orphanet 407, MedGen C0751748, MONDO:0011612, HP:0008288.

Allele frequency attached by ClinVar (database versions not stated): gnomAD 0.00003; gnomAD exomes 0.00004 and 0.00008; ExAC 0.00007; TOPMed 0.00007.
gnomAD v4.1: 25 of 1,607,076 alleles (0.0016%); highest among the groups gnomAD compares: Admixed American, 0.042%; no homozygotes.

Submissions (5):

CeGaT Center for Human Genetics Tuebingen
Classification: Likely benign. Last evaluated: 2026-07-01. Review status: criteria provided, single submitter. Criteria: CeGaT Center For Human Genetics Tuebingen Variant Classification Criteria Version 2. Collection method: clinical testing. Allele origin: germline. Affected: yes. Observed: 2 variant alleles.
Comment: GLDC: BP4, BP7

Labcorp Genetics (formerly Invitae), Labcorp
Classification: Likely benign for Glycine encephalopathy. Last evaluated: 2026-02-03. Review status: criteria provided, single submitter. Criteria: Invitae Variant Classification Sherloc (09022015). Collection method: clinical testing. Allele origin: germline.

Blueprint Genetics
Classification: Likely benign. Last evaluated: 2022-02-01. Review status: criteria provided, single submitter. Criteria: ACMG Guidelines, 2015. Collection method: clinical testing. Allele origin: germline.

GeneDx
Classification: Likely benign. Last evaluated: 2020-10-07. Review status: criteria provided, single submitter. Criteria: GeneDx Variant Classification Process June 2021. Collection method: clinical testing. Allele origin: germline. Affected: yes.

Illumina Laboratory Services, Illumina
Classification: Uncertain significance for Glycine encephalopathy 1. Last evaluated: 2018-01-13. Review status: criteria provided, single submitter. Criteria: ICSL Variant Classification Criteria 13 December 2019. Collection method: clinical testing. Allele origin: germline.

NM_000170.3(GLDC):c.1453T>C (p.Leu485=)

Gene: GLDC (glycine decarboxylase; minus strand). Cytogenetic location: 9p24.1.
Variant type: single nucleotide variant.
Coding change: c.1453T>C on transcript NM_000170.3 (MANE Select); coding-DNA position 1453, T replaced by C.
Protein change: p.Leu485=; no amino-acid change (leucine 485 retained).
Molecular consequence: synonymous variant.
Genome position (GRCh38, 1-based): chr9:6,592,172, A>G on the plus strand (T>C on the coding strand, the complement: GLDC is on the minus strand). VCF-style: chr9-6592172-A-G. GRCh37 (hg19) VCF-style: chr9-6592172-A-G.
Identifiers: ClinVar variation 462853 (VCV000462853.26), dbSNP rs760562478, ClinGen allele CA4980705.